The following is an entry in ClinVar:

NM_001009999.3(KDM1A):c.1861G>A (p.Ala621Thr)

Gene: KDM1A (lysine demethylase 1A; plus strand). Cytogenetic location: 1p36.12.
Variant type: single nucleotide variant.
Coding change: c.1861G>A on transcript NM_001009999.3 (MANE Select); coding-DNA position 1861, G replaced by A.
Protein change: p.Ala621Thr; replaces alanine 621 with threonine.
Molecular consequence: missense variant.
Genome position (GRCh38, 1-based): chr1:23,077,354, G>A. VCF-style: chr1-23077354-G-A. GRCh37 (hg19) VCF-style: chr1-23403847-G-A.
Other names: c.1807G>A, p.Ala603Thr (NM_001363654.2); c.1867G>A, p.Ala623Thr (NM_001410762.1); c.1789G>A, p.Ala597Thr (NM_001410763.1, NM_015013.4); c.1861G>A (NM_001009999.2); short protein forms A603T, A621T, A597T, A623T.
Identifiers: ClinVar variation 2821090 (VCV002821090.4), dbSNP rs2522781116, ClinGen allele CA338970488.

ClinVar aggregate classification (germline): Uncertain significance. Review status: criteria provided, multiple submitters, no conflicts (2 of 4 stars). 2 submissions from 2 submitters: Uncertain significance (2). Last evaluated 2025-06-16.

Conditions:
Inborn genetic diseases. Identifiers: MedGen C0950123, MeSH D030342.

Submissions (2):

Ambry Genetics
Classification: Uncertain significance for Inborn genetic diseases. Last evaluated: 2025-06-16. Review status: criteria provided, single submitter. Criteria: Ambry Variant Classification Scheme 2023. Collection method: clinical testing. Allele origin: germline.
Comment: The p.A621T variant (also known as c.1861G>A), located in coding exon 16 of the KDM1A gene, results from a G to A substitution at nucleotide position 1861. The alanine at codon 621 is replaced by threonine, an amino acid with similar properties. This amino acid position is conserved. In addition, this alteration is predicted to be tolerated by in silico analysis. Based on the available evidence, the clinical significance of this variant remains unclear.

Labcorp Genetics (formerly Invitae), Labcorp
Classification: Uncertain significance. Last evaluated: 2023-08-04. Review status: criteria provided, single submitter. Criteria: Invitae Variant Classification Sherloc (09022015). Collection method: clinical testing. Allele origin: germline.
Comment: In summary, the available evidence is currently insufficient to determine the role of this variant in disease. Therefore, it has been classified as a Variant of Uncertain Significance. Advanced modeling of protein sequence and biophysical properties (such as structural, functional, and spatial information, amino acid conservation, physicochemical variation, residue mobility, and thermodynamic stability) performed at Invitae indicates that this missense variant is not expected to disrupt KDM1A protein function. This variant has not been reported in the literature in individuals affected with KDM1A-related conditions. This variant is not present in population databases (gnomAD no frequency). This sequence change replaces alanine, which is neutral and non-polar, with threonine, which is neutral and polar, at codon 621 of the KDM1A protein (p.Ala621Thr).